The following is an entry in ClinVar:

NM_001352514.2(HLCS):c.2067G>T (p.Gln689His)

Gene: HLCS (holocarboxylase synthetase; minus strand). Cytogenetic location: 21q22.13.
Variant type: single nucleotide variant.
Coding change: c.2067G>T on transcript NM_001352514.2 (MANE Select); coding-DNA position 2067, G replaced by T.
Protein change: p.Gln689His; replaces glutamine 689 with histidine.
Molecular consequence: missense variant. On other transcripts: non-coding transcript variant (2).
Genome position (GRCh38, 1-based): chr21:36,765,066, C>A on the plus strand (G>T on the coding strand, the complement: HLCS is on the minus strand). VCF-style: chr21-36765066-C-A. GRCh37 (hg19) VCF-style: chr21-38137367-C-A.
Other names: c.1626G>T, p.Gln542His (NM_000411.8, NM_001242784.3, NM_001242785.2 and 4 more transcripts); short protein forms Q542H, Q689H.
Identifiers: ClinVar variation 4292505 (VCV004292505.1).
Genomic context (GRCh38, chr21:36,765,066, plus strand): 5'-ACCTACCTGATACTCGGGAATGGACCTCACTGCTTCCACGACAGCCACGGACATCAGATG[C>A]TGGACAAACGGGATCCTCTGTCCCAGCTGGGATCTCAGTGGAATGGAGATGAGCAGAGTA-3'
Protein context (NP_001339443.1, residues 679-699): SQLGQRIPFV[Gln689His]HLMSVAVVEA

ClinVar aggregate classification (germline): Uncertain significance (1 of 4 stars; one submission).

Conditions:
Holocarboxylase synthetase deficiency. Also called: MULTIPLE CARBOXYLASE DEFICIENCY, EARLY ONSET. Identifiers: Orphanet 79242, MedGen C0268581, MONDO:0009666, OMIM 253270.

gnomAD v4.1: 1 of 1,614,208 alleles (0.000062%); highest among the groups gnomAD compares: South Asian, 0.0011%; no homozygotes.

Submission:

3billion
Classification: Uncertain significance for Holocarboxylase synthetase deficiency. Last evaluated: 2025-02-05. Review status: criteria provided, single submitter. Criteria: ACMG Guidelines, 2015. Collection method: clinical testing. Allele origin: germline. Affected: yes.
Comment: The variant is observed at an extremely low frequency in the gnomAD v4.1.0 dataset (total allele frequency: <0.001%). Predicted Consequence/Location: Missense variant. The majority of the known disease-causing variants of this gene are variants expected to result in premature termination of the protein. In silico tool predictions suggest damaging effect of the variant on gene or gene product [REVEL: 0.85 (>=0.6, sensitivity 0.68 and specificity 0.92); 3Cnet: 0.94 (>=0.6, sensitivity 0.72 and precision 0.9)]. Therefore, this variant is classified as VUS according to the recommendation of ACMG/AMP guideline.